The following is an entry in ClinVar:

ClinVar aggregate classification (germline): Uncertain significance. Review status: criteria provided, multiple submitters, no conflicts (2 of 4 stars). 3 submissions from 3 submitters: Uncertain significance (3). Last evaluated 2025-04-13.

Conditions:
Angelman syndrome (AS). Also called: HAPPY PUPPET SYNDROME. Identifiers: Orphanet 72, MedGen C0162635, MONDO:0007113, OMIM 105830. Disease mechanism: loss of function. Inheritance: AS is caused by disruption of maternally imprinted UBE3A located within the 15q11.2-q13 Angelman syndrome/Prader-Willi syndrome (AS/PWS) region., imprinting disorder.

Allele frequency attached by ClinVar (database versions not stated): gnomAD exomes below 0.00001; ExAC 0.00001; gnomAD 0.00001; TOPMed 0.00001.
gnomAD v4.1: 6 of 1,614,062 alleles (0.00037%); highest among the groups gnomAD compares: African/African-American, 0.004%; no homozygotes.

Submissions (3):

Labcorp Genetics (formerly Invitae), Labcorp
Classification: Uncertain significance for Angelman syndrome. Last evaluated: 2025-04-13. Review status: criteria provided, single submitter. Criteria: Invitae Variant Classification Sherloc (09022015). Collection method: clinical testing. Allele origin: germline.
Comment: This sequence change replaces methionine, which is neutral and non-polar, with valine, which is neutral and non-polar, at codon 281 of the UBE3A protein (p.Met281Val). This variant is not present in population databases (gnomAD no frequency). This variant has not been reported in the literature in individuals affected with UBE3A-related conditions. ClinVar contains an entry for this variant (Variation ID: 156678). Invitae Evidence Modeling of protein sequence and biophysical properties (such as structural, functional, and spatial information, amino acid conservation, physicochemical variation, residue mobility, and thermodynamic stability) indicates that this missense variant is not expected to disrupt UBE3A protein function with a negative predictive value of 80%. In summary, the available evidence is currently insufficient to determine the role of this variant in disease. Therefore, it has been classified as a Variant of Uncertain Significance.

GeneDx
Classification: Uncertain significance. Last evaluated: 2022-02-11. Review status: criteria provided, single submitter. Criteria: GeneDx Variant Classification Process June 2021. Collection method: clinical testing. Allele origin: germline. Affected: yes.
Comment: Not observed at significant frequency in large population cohorts (gnomAD); In silico analysis supports that this missense variant does not alter protein structure/function; Has not been previously published as pathogenic or benign to our knowledge

Athena Diagnostics
Classification: Uncertain significance. Last evaluated: 2018-12-27. Review status: criteria provided, single submitter. Criteria: Athena Diagnostics Criteria. Collection method: clinical testing. Allele origin: germline.

NM_130839.5(UBE3A):c.901A>G (p.Met301Val)

Genes: SNHG14 (small nucleolar RNA host gene 14; plus strand), UBE3A (ubiquitin protein ligase E3A; minus strand). Cytogenetic location: 15q11.2.
Variant type: single nucleotide variant.
Coding change: c.901A>G on transcript NM_130839.5 (MANE Select); coding-DNA position 901, A replaced by G.
Protein change: p.Met301Val; replaces methionine 301 with valine.
Molecular consequence: missense variant. On other transcripts: intron variant (2), non-coding transcript variant (1).
Genome position (GRCh38, 1-based): chr15:25,371,273, T>C on the plus strand (A>G on the coding strand, the complement: UBE3A is on the minus strand). VCF-style: chr15-25371273-T-C. GRCh37 (hg19) VCF-style: chr15-25616420-T-C.
Other names: p.M301V:ATG>GTG; c.301+4192A>G (NM_001354551.2); c.361+4192A>G (NM_001354550.2); c.910A>G, p.Met304Val (NM_000462.5); c.901A>G, p.Met301Val (NM_001354505.1, NM_001354538.2, NM_001354545.2); c.841A>G, p.Met281Val (NM_001354506.2, NM_001354507.2, NM_001354508.2 and 17 more transcripts); c.724A>G, p.Met242Val (NM_001354546.2); short protein forms M281V, M301V, M242V, M304V.
Identifiers: ClinVar variation 156678 (VCV000156678.6), dbSNP rs587783147, ClinGen allele CA294738.